The following is an entry in ClinVar:

NM_000243.3(MEFV):c.14dup (p.Pro5_Ser6insTer)

Gene: MEFV (MEFV innate immunity regulator, pyrin; minus strand). Cytogenetic location: 16p13.3.
Variant type: Duplication.
Coding change: c.14dup on transcript NM_000243.3 (MANE Select); coding-DNA position 14, one base duplicated (C; older notation c.14dupC).
Protein change: p.Pro5_Ser6insTer.
Molecular consequence: frameshift variant.
Genome position (GRCh38, 1-based): chr16:3,256,574, G duplicated on the plus strand (C on the coding strand, the reverse complement: MEFV is on the minus strand); the first of 4 consecutive G bases (chr16:3,256,574-3,256,577); duplicating any one gives the same sequence. VCF-style (leftmost placement, unchanged base first): chr16-3256573-A-AG. GRCh37 (hg19) VCF-style: chr16-3306573-A-AG.
Other names: c.14dup, p.Pro5_Ser6insTer (NM_001198536.2).
Identifiers: ClinVar variation 2867737 (VCV002867737.3), dbSNP rs2543159974, ClinGen allele CA2739269951.

ClinVar aggregate classification (germline): Uncertain significance (1 of 4 stars; one submission).

Conditions:
Familial Mediterranean fever (FMF). Also called: POLYSEROSITIS, FAMILIAL PAROXYSMAL; POLYSEROSITIS, RECURRENT; Periodic peritonitis; Benign paroxysmal peritonitis. Identifiers: Orphanet 342, MedGen C0031069, MONDO:0018088, OMIM 249100. Disease mechanism: gain of function.

Submission:

Labcorp Genetics (formerly Invitae), Labcorp
Classification: Uncertain significance for Familial Mediterranean fever. Last evaluated: 2023-02-06. Review status: criteria provided, single submitter. Criteria: Invitae Variant Classification Sherloc (09022015). Collection method: clinical testing. Allele origin: germline.
Comment: This sequence change creates a premature translational stop signal (p.Ser6*) in the MEFV gene. It is expected to result in an absent or disrupted protein product. However, the current clinical and genetic evidence is not sufficient to establish whether loss-of-function variants in MEFV cause disease. This variant is not present in population databases (gnomAD no frequency). This variant has not been reported in the literature in individuals affected with MEFV-related conditions. In summary, the available evidence is currently insufficient to determine the role of this variant in disease. Therefore, it has been classified as a Variant of Uncertain Significance.